The following is an entry in ClinVar:

ClinVar aggregate classification (germline): Uncertain significance. Review status: criteria provided, multiple submitters, no conflicts (2 of 4 stars). 2 submissions from 2 submitters: Uncertain significance (2). Last evaluated 2025-10-18.

Conditions:
Glycogen storage disease type III (GSD3). Also called: FORBES DISEASE; Cori disease. Identifiers: Orphanet 366, MedGen C0017922, MONDO:0009291, OMIM 232400.
Inborn genetic diseases. Identifiers: MedGen C0950123, MeSH D030342.

Allele frequency attached by ClinVar (database versions not stated): gnomAD exomes below 0.00001; gnomAD 0.00002; TOPMed 0.00002; ESP Exome Variant Server 0.00008.
gnomAD v4.1: 5 of 1,613,710 alleles (0.00031%); highest among the groups gnomAD compares: African/African-American, 0.0027%; no homozygotes.

Submissions (2):

Ambry Genetics
Classification: Uncertain significance for Inborn genetic diseases. Last evaluated: 2025-10-18. Review status: criteria provided, single submitter. Criteria: Ambry Variant Classification Scheme 2023. Collection method: clinical testing. Allele origin: germline.

Labcorp Genetics (formerly Invitae), Labcorp
Classification: Uncertain significance for Glycogen storage disease type III. Last evaluated: 2022-10-17. Review status: criteria provided, single submitter. Criteria: Invitae Variant Classification Sherloc (09022015). Collection method: clinical testing. Allele origin: germline.
Comment: This sequence change replaces methionine, which is neutral and non-polar, with threonine, which is neutral and polar, at codon 966 of the AGL protein (p.Met966Thr). This variant is present in population databases (rs377540254, gnomAD 0.007%). This variant has not been reported in the literature in individuals affected with AGL-related conditions. ClinVar contains an entry for this variant (Variation ID: 964883). Advanced modeling of protein sequence and biophysical properties (such as structural, functional, and spatial information, amino acid conservation, physicochemical variation, residue mobility, and thermodynamic stability) performed at Invitae indicates that this missense variant is expected to disrupt AGL protein function. In summary, the available evidence is currently insufficient to determine the role of this variant in disease. Therefore, it has been classified as a Variant of Uncertain Significance.

NM_000642.3(AGL):c.2897T>C (p.Met966Thr)

Gene: AGL (amylo-alpha-1,6-glucosidase and 4-alpha-glucanotransferase; plus strand). Cytogenetic location: 1p21.2.
Variant type: single nucleotide variant.
Coding change: c.2897T>C on transcript NM_000642.3 (MANE Select); coding-DNA position 2897, T replaced by C.
Protein change: p.Met966Thr; replaces methionine 966 with threonine.
Molecular consequence: missense variant.
Genome position (GRCh38, 1-based): chr1:99,891,304, T>C. VCF-style: chr1-99891304-T-C. GRCh37 (hg19) VCF-style: chr1-100356860-T-C.
Other names: c.2693T>C, p.Met898Thr (NM_001425328.1); c.2558T>C, p.Met853Thr (NM_001425329.1); c.2519T>C, p.Met840Thr (NM_001425332.1); c.2897T>C, p.Met966Thr (NM_000028.3, NM_000643.3, NM_000644.3 and 1 more transcripts); c.2849T>C, p.Met950Thr (NM_000646.3); c.2876T>C, p.Met959Thr (NM_001425326.1); c.2696T>C, p.Met899Thr (NM_001425327.1); short protein forms M950T, M966T, M840T, M853T, M898T, M899T, M959T.
Identifiers: ClinVar variation 964883 (VCV000964883.7), dbSNP rs377540254, ClinGen allele CA27526429.